The following is an entry in ClinVar:

NM_003002.4(SDHD):c.221T>G (p.Val74Gly)

Gene: SDHD (succinate dehydrogenase complex subunit D; plus strand). Cytogenetic location: 11q23.1.
Variant type: single nucleotide variant.
Coding change: c.221T>G on transcript NM_003002.4 (MANE Select); coding-DNA position 221, T replaced by G.
Protein change: p.Val74Gly; replaces valine 74 with glycine.
Molecular consequence: missense variant. On other transcripts: non-coding transcript variant (1), intron variant (1).
Genome position (GRCh38, 1-based): chr11:112,088,918, T>G. VCF-style: chr11-112088918-T-G. GRCh37 (hg19) VCF-style: chr11-111959642-T-G.
Other names: c.104T>G, p.Val35Gly (NM_001276504.2); c.221T>G, p.Val74Gly (NM_001276506.2); c.169+945T>G (NM_001276503.2); short protein forms V35G, V74G.
Identifiers: ClinVar variation 4278850 (VCV004278850.1).

ClinVar aggregate classification (germline): Uncertain significance (1 of 4 stars; one submission).

Submission:

GeneDx
Classification: Uncertain significance. Last evaluated: 2025-04-03. Review status: criteria provided, single submitter. Criteria: GeneDx Variant Classification Process June 2021. Collection method: clinical testing. Allele origin: germline. Affected: yes.
Comment: Not observed at significant frequency in large population cohorts (gnomAD); In silico analysis supports that this missense variant has a deleterious effect on protein structure/function; Has not been previously published as pathogenic or benign to our knowledge